The following is an entry in ClinVar:

NM_003850.3(SUCLA2):c.286G>A (p.Val96Met)

Gene: SUCLA2 (succinate-CoA ligase ADP-forming subunit beta; minus strand). Cytogenetic location: 13q14.2.
Variant type: single nucleotide variant.
Coding change: c.286G>A on transcript NM_003850.3 (MANE Select); coding-DNA position 286, G replaced by A.
Protein change: p.Val96Met; replaces valine 96 with methionine.
Molecular consequence: missense variant.
Genome position (GRCh38, 1-based): chr13:47,988,967, C>T on the plus strand (G>A on the coding strand, the complement: SUCLA2 is on the minus strand). VCF-style: chr13-47988967-C-T. GRCh37 (hg19) VCF-style: chr13-48563102-C-T.
Other names: c.286G>A (NM_003850.2); short protein forms V96M.
Identifiers: ClinVar variation 2051793 (VCV002051793.4), dbSNP rs1269468843, ClinGen allele CA388151718.
Genomic context (GRCh38, chr13:47,988,967, plus strand): 5'-TGAGGCCACTTTCAAATGTTCCTTTTCCTCTACCACCAGCTAAAACCTGTGCCTTTATCA[C>T]GACATCTTTTGAACCTAGAAGAAAAACACTTCTATTAAATATGAAGCATGGAGCAGCATG-3'
Protein context (NP_003841.1, residues 86-106): IAKKLGSKDV[Val96Met]IKAQVLAGGR

ClinVar aggregate classification (germline): Uncertain significance. Review status: criteria provided, multiple submitters, no conflicts (2 of 4 stars). 2 submissions from 2 submitters: Uncertain significance (2). Last evaluated 2025-04-16.

Conditions:
Inborn genetic diseases. Identifiers: MedGen C0950123, MeSH D030342.
Mitochondrial DNA depletion syndrome, encephalomyopathic form with methylmalonic aciduria (MTDPS5). Also called: SUCLA2-Related Mitochondrial DNA Depletion Syndrome, Encephalomyopathic Form with Methylmalonic Aciduria; Mitochondrial encephalomyopathy aminoacidopathy; MITOCHONDRIAL DNA DEPLETION SYNDROME, ENCEPHALOMYOPATHIC FORM, WITH OR WITHOUT METHYLMALONIC ACIDURIA, AUTOSOMAL RECESSIVE, SUCLA2-RELATED; Mitochondrial DNA depletion syndrome 5 (encephalomyopathic with or without methylmalonic aciduria). Identifiers: Orphanet 1933, MedGen C5980207, MONDO:0012791, OMIM 612073.

Allele frequency attached by ClinVar (database versions not stated): gnomAD 0.00001; gnomAD exomes 0.00001; TOPMed 0.00002.
gnomAD v4.1: 9 of 1,613,394 alleles (0.00056%); highest among the groups gnomAD compares: African/African-American, 0.0027%; no homozygotes.

Submissions (2):

Ambry Genetics
Classification: Uncertain significance for Inborn genetic diseases. Last evaluated: 2025-04-16. Review status: criteria provided, single submitter. Criteria: Ambry Variant Classification Scheme 2023. Collection method: clinical testing. Allele origin: germline.

Labcorp Genetics (formerly Invitae), Labcorp
Classification: Uncertain significance for Mitochondrial DNA depletion syndrome, encephalomyopathic form with methylmalonic aciduria. Last evaluated: 2022-07-19. Review status: criteria provided, single submitter. Criteria: Invitae Variant Classification Sherloc (09022015). Collection method: clinical testing. Allele origin: germline.
Comment: In summary, the available evidence is currently insufficient to determine the role of this variant in disease. Therefore, it has been classified as a Variant of Uncertain Significance. Algorithms developed to predict the effect of missense changes on protein structure and function are either unavailable or do not agree on the potential impact of this missense change (SIFT: "Deleterious"; PolyPhen-2: "Probably Damaging"; Align-GVGD: "Class C15"). This variant has not been reported in the literature in individuals affected with SUCLA2-related conditions. This variant is present in population databases (no rsID available, gnomAD 0.002%). This sequence change replaces valine, which is neutral and non-polar, with methionine, which is neutral and non-polar, at codon 96 of the SUCLA2 protein (p.Val96Met).